The following is an entry in ClinVar:

ClinVar aggregate classification (germline): Pathogenic. Review status: criteria provided, multiple submitters, no conflicts (2 of 4 stars). 4 submissions from 4 submitters: Pathogenic (3). 1 of the submissions does not count toward it. Last evaluated 2025-02-28.

Conditions:
PGM1-congenital disorder of glycosylation. Also called: PHOSPHOGLUCOMUTASE 1 DEFICIENCY; PGM1 DEFICIENCY; GLYCOGEN STORAGE DISEASE XIV; GSD XIV; Congenital disorder of glycosylation type 1t; CDG It. Identifiers: Orphanet 319646, MedGen C2752015, MONDO:0013968, OMIM 614921.

Submissions (4):

First Genomix Gene Laboratory, Genetic Diagnostics Department
Classification: Pathogenic for PGM1-congenital disorder of glycosylation. Last evaluated: 2025-02-28. Review status: criteria provided, single submitter. Criteria: ACMG Guidelines, 2015. Collection method: clinical testing. Allele origin: germline. Inheritance: Autosomal recessive inheritance. Affected: no. Observed: 1 variant allele.

Labcorp Genetics (formerly Invitae), Labcorp
Classification: Pathogenic for PGM1-congenital disorder of glycosylation. Last evaluated: 2024-08-05. Review status: criteria provided, single submitter. Criteria: Invitae Variant Classification Sherloc (09022015). Collection method: clinical testing. Allele origin: germline.
Comment: This sequence change replaces asparagine, which is neutral and polar, with tyrosine, which is neutral and polar, at codon 38 of the PGM1 protein (p.Asn38Tyr). This variant is not present in population databases (gnomAD no frequency). This missense change has been observed in individuals with PGM1-CDG (PMID: 24499211, 26768186, 27206562). It has also been observed to segregate with disease in related individuals. ClinVar contains an entry for this variant (Variation ID: 133287). Advanced modeling of protein sequence and biophysical properties (such as structural, functional, and spatial information, amino acid conservation, physicochemical variation, residue mobility, and thermodynamic stability) performed at Invitae indicates that this missense variant is expected to disrupt PGM1 protein function with a positive predictive value of 80%. Experimental studies have shown that this missense change affects PGM1 function (PMID: 25288802). For these reasons, this variant has been classified as Pathogenic.

GeneDx
Classification: Pathogenic. Last evaluated: 2024-03-11. Review status: criteria provided, single submitter. Criteria: GeneDx Variant Classification Process June 2021. Collection method: clinical testing. Allele origin: germline. Affected: yes.
Comment: Published functional studies found this variant is associated with significantly reduced soluble protein expression (PMID: 25288802); Not observed at significant frequency in large population cohorts (gnomAD); In silico analysis supports that this missense variant has a deleterious effect on protein structure/function; This variant is associated with the following publications: (PMID: 24499211, 32681750, 28837627, 27527004, 27467583, 28617415, 27206562, 30262252, 28940310, 30737079, 25168163, 26768186, 25288802)

OMIM
Classification: Pathogenic for CONGENITAL DISORDER OF GLYCOSYLATION, TYPE It. Last evaluated: 2014-02-06. Review status: no assertion criteria provided. Collection method: literature only. Allele origin: germline. Not counted in ClinVar's aggregate classification.

Literature cited by the submitters: PubMed 24499211 (cited by Labcorp Genetics (formerly Invitae), Labcorp and OMIM); PubMed 26768186 (cited by Labcorp Genetics (formerly Invitae), Labcorp); PubMed 27206562 (cited by Labcorp Genetics (formerly Invitae), Labcorp); PubMed 25288802 (cited by Labcorp Genetics (formerly Invitae), Labcorp).

NM_002633.3(PGM1):c.112A>T (p.Asn38Tyr)

Genes: PGM1 (phosphoglucomutase 1; plus strand), LOC129930668 (ATAC-STARR-seq lymphoblastoid active region 1127; plus strand). Cytogenetic location: 1p31.3.
Variant type: single nucleotide variant.
Coding change: c.112A>T on transcript NM_002633.3 (MANE Select); coding-DNA position 112, A replaced by T.
Protein change: p.Asn38Tyr; replaces asparagine 38 with tyrosine.
Molecular consequence: missense variant.
Genome position (GRCh38, 1-based): chr1:63,593,600, A>T. VCF-style: chr1-63593600-A-T. GRCh37 (hg19) VCF-style: chr1-64059271-A-T.
Other names: short protein forms N38Y.
Identifiers: ClinVar variation 133287 (VCV000133287.13), dbSNP rs587777402, ClinGen allele CA156391.